The following is an entry in ClinVar:

ClinVar aggregate classification (germline): Pathogenic (1 of 4 stars; one submission).

Submission:

GeneDx
Classification: Pathogenic. Last evaluated: 2019-01-23. Review status: criteria provided, single submitter. Criteria: GeneDx Variant Classification (06012015). Collection method: clinical testing. Allele origin: germline. Affected: yes.
Comment: A variant that is pathogenic has been identified in the DEPDC5 gene. The c.191delA variant has not been published as a pathogenic variant, nor has it been reported as a benign variant to our knowledge. This variant is not observed in large population cohorts (Lek et al., 2016). The c.191delA variant causes a frameshift starting with codon Lysine 64, changes this amino acid to an Arginine residue, and creates a premature Stop codon at position 10 of the new reading frame, denoted p.Lys64ArgfsX10. This variant is predicted to cause loss of normal protein function either through protein truncation or nonsense-mediated mRNA decay. Therefore, the presence of c.191delA is consistent with the diagnosis of a DEPDC5-related disorder in this individual.

NM_001242896.3(DEPDC5):c.191del (p.Lys64fs)

Gene: DEPDC5 (DEP domain containing 5, GATOR1 subcomplex subunit; plus strand). Cytogenetic location: 22q12.2.
Variant type: Deletion.
Coding change: c.191del on transcript NM_001242896.3 (MANE Select); coding-DNA position 191, one base deleted (A; older notation c.191delA).
Protein change: p.Lys64fs; shifts the reading frame from lysine 64.
Molecular consequence: frameshift variant. On other transcripts: non-coding transcript variant (5).
Genome position (GRCh38, 1-based): chr22:31,760,700, A deleted; the last of 2 consecutive A bases (chr22:31,760,699-31,760,700); deleting either gives the same sequence. VCF-style (leftmost placement, unchanged base first): chr22-31760698-GA-G. GRCh37 (hg19) VCF-style: chr22-32156684-GA-G.
Other names: c.191del, p.Lys64fs (NM_001007188.4, NM_001136029.4, NM_001242897.2 and 9 more transcripts); short protein forms K64fs.
Identifiers: ClinVar variation 817281 (VCV000817281.1), dbSNP rs1601599644, ClinGen allele CA915952909.